The following is an entry in ClinVar:

ClinVar aggregate classification (germline): Benign. Review status: criteria provided, multiple submitters, no conflicts (2 of 4 stars). 3 submissions from 3 submitters: Benign (3). Last evaluated 2021-06-10.

Conditions:
Long chain 3-hydroxyacyl-CoA dehydrogenase deficiency. Also called: LCHAD Deficiency; Deficiency of long-chain 3-hydroxyacyl-coenzyme A dehydrogenase. Identifiers: Orphanet 5, MedGen C3711645, MONDO:0012173, OMIM 609016.

Allele frequency attached by ClinVar (database versions not stated): 1000 Genomes Project 30x 0.13929; 1000 Genomes Project 0.14257; TOPMed 0.15916; gnomAD 0.17014 and 0.17204; gnomAD exomes 0.21070.
gnomAD v4.1: 187,801 of 919,224 alleles (20%); highest among the groups gnomAD compares: Middle Eastern, 25%; 20,930 homozygotes.

Submissions (3):

Genome-Nilou Lab
Classification: Benign for Long chain 3-hydroxyacyl-CoA dehydrogenase deficiency. Last evaluated: 2021-06-10. Review status: criteria provided, single submitter. Criteria: ACMG Guidelines, 2015. Collection method: clinical testing. Allele origin: germline. Affected: no.

GeneDx
Classification: Benign. Last evaluated: 2018-06-18. Review status: criteria provided, single submitter. Criteria: GeneDx Variant Classification (06012015). Collection method: clinical testing. Allele origin: germline. Affected: yes.
Comment: This variant is considered likely benign or benign based on one or more of the following criteria: it is a conservative change, it occurs at a poorly conserved position in the protein, it is predicted to be benign by multiple in silico algorithms, and/or has population frequency not consistent with disease.

Breakthrough Genomics
Classification: Benign. Review status: criteria provided, single submitter. Criteria: ACMG Guidelines, 2015. Collection method: not provided. Allele origin: germline. Inheritance: Autosomal recessive inheritance. Affected: yes.

NM_000182.5(HADHA):c.180+69G>C

Gene: HADHA (hydroxyacyl-CoA dehydrogenase trifunctional multienzyme complex subunit alpha; minus strand). Cytogenetic location: 2p23.3.
Variant type: single nucleotide variant.
Coding change: c.180+69G>C on transcript NM_000182.5 (MANE Select); 69 bases into the intron after coding-DNA position 180, G replaced by C.
Molecular consequence: intron variant.
Genome position (GRCh38, 1-based): chr2:26,238,865, C>G on the plus strand (G>C on the coding strand, the complement: HADHA is on the minus strand). VCF-style: chr2-26238865-C-G. GRCh37 (hg19) VCF-style: chr2-26461733-C-G.
Identifiers: ClinVar variation 676136 (VCV000676136.5), dbSNP rs2303892, ClinGen allele CA11004405.